The following is an entry in ClinVar:

NM_001350162.2(TEX15):c.9474G>A (p.Trp3158Ter)

Gene: TEX15 (testis expressed 15, meiosis and synapsis associated; minus strand). Cytogenetic location: 8p12.
Variant type: single nucleotide variant.
Coding change: c.9474G>A on transcript NM_001350162.2 (MANE Select); coding-DNA position 9474, G replaced by A.
Protein change: p.Trp3158Ter; replaces tryptophan 3158 with a stop codon.
Molecular consequence: nonsense.
Genome position (GRCh38, 1-based): chr8:30,836,810, C>T on the plus strand (G>A on the coding strand, the complement: TEX15 is on the minus strand). VCF-style: chr8-30836810-C-T. GRCh37 (hg19) VCF-style: chr8-30694326-C-T.
Other names: short protein forms W3158*.
Identifiers: ClinVar variation 753542 (VCV000753542.26), dbSNP rs146619272, ClinGen allele CA4702119.

ClinVar aggregate classification (germline): Conflicting classifications of pathogenicity. Review status: criteria provided, conflicting classifications (1 of 4 stars). 3 submissions from 3 submitters: Likely pathogenic (1); Uncertain significance (1); Likely benign (1). Last evaluated 2024-05-01.

Conditions:
Spermatogenic failure 25. Identifiers: MedGen C4693765, MONDO:0054729, OMIM 617960.

Allele frequency attached by ClinVar (database versions not stated): TOPMed 0.00026; ESP Exome Variant Server 0.00038; ExAC 0.00074; gnomAD 0.00079 and 0.00084; gnomAD exomes 0.00089.
gnomAD v4.1: 891 of 1,600,142 alleles (0.056%); highest among the groups gnomAD compares: Non-Finnish European, 0.042%; 3 homozygotes.

Submissions (3):

CeGaT Center for Human Genetics Tuebingen
Classification: Uncertain significance. Last evaluated: 2024-05-01. Review status: criteria provided, single submitter. Criteria: CeGaT Center For Human Genetics Tuebingen Variant Classification Criteria Version 2. Collection method: clinical testing. Allele origin: germline. Affected: yes. Observed: 2 variant alleles.
Comment: TEX15: PM2

Department of Pathology and Laboratory Medicine, Sinai Health System
Classification: Likely pathogenic for Spermatogenic failure 25. Last evaluated: 2023-02-03. Review status: criteria provided, single submitter. Criteria: ACMG Guidelines, 2015. Collection method: research. Allele origin: germline.

Labcorp Genetics (formerly Invitae), Labcorp
Classification: Likely benign. Last evaluated: 2018-06-23. Review status: criteria provided, single submitter. Criteria: Invitae Variant Classification Sherloc (09022015). Collection method: clinical testing. Allele origin: germline.